The following is an entry in ClinVar:

ClinVar aggregate classification (germline): Uncertain significance (1 of 4 stars; one submission).

Submission:

GeneDx
Classification: Uncertain significance. Last evaluated: 2026-04-22. Review status: criteria provided, single submitter. Criteria: GeneDx Variant Classification Process June 2021. Collection method: clinical testing. Allele origin: germline.
Comment: Not observed at significant frequency in large population cohorts (gnomAD); In silico analysis supports that this missense variant has a deleterious effect on protein structure/function; Has not been previously published as pathogenic or benign to our knowledge

NM_018489.3(ASH1L):c.7823G>A (p.Cys2608Tyr)

Gene: ASH1L (ASH1 like histone lysine methyltransferase; minus strand). Cytogenetic location: 1q22.
Variant type: single nucleotide variant.
Coding change: c.7823G>A on transcript NM_018489.3 (MANE Select); coding-DNA position 7823, G replaced by A.
Protein change: p.Cys2608Tyr; replaces cysteine 2608 with tyrosine.
Molecular consequence: missense variant.
Genome position (GRCh38, 1-based): chr1:155,346,450, C>T on the plus strand (G>A on the coding strand, the complement: ASH1L is on the minus strand). VCF-style: chr1-155346450-C-T. GRCh37 (hg19) VCF-style: chr1-155316241-C-T.
Other names: c.7838G>A, p.Cys2613Tyr (NM_001366177.2); short protein forms C2608Y, C2613Y.
Identifiers: ClinVar variation 1800743 (VCV001800743.2), dbSNP rs2525680225, ClinGen allele CA342734945.